The following is an entry in ClinVar:

NM_015374.3(SUN2):c.2073G>C (p.Glu691Asp)

Genes: GTPBP1 (GTP binding protein 1; plus strand), SUN2 (Sad1 and UNC84 domain containing 2; minus strand). Cytogenetic location: 22q13.1.
Variant type: single nucleotide variant.
Coding change: c.2073G>C on transcript NM_015374.3 (MANE Select); coding-DNA position 2073, G replaced by C.
Protein change: p.Glu691Asp; replaces glutamic acid 691 with aspartic acid.
Molecular consequence: missense variant.
Genome position (GRCh38, 1-based): chr22:38,736,348, C>G on the plus strand (G>C on the coding strand, the complement: SUN2 is on the minus strand). VCF-style: chr22-38736348-C-G. GRCh37 (hg19) VCF-style: chr22-39132353-C-G.
Other names: c.2136G>C, p.Glu712Asp (NM_001199579.2, NM_001394428.1); c.2073G>C, p.Glu691Asp (NM_001199580.2, NM_001394432.1, NM_001394433.1 and 2 more transcripts); c.2166G>C, p.Glu722Asp (NM_001394427.1); c.2118G>C, p.Glu706Asp (NM_001394429.1, NM_001394430.1); c.2070G>C, p.Glu690Asp (NM_001394436.1, NM_001394437.1); c.1983G>C, p.Glu661Asp (NM_001394438.1); c.1935G>C, p.Glu645Asp (NM_001394439.1, NM_001394440.1, NM_001394441.1); c.1674G>C, p.Glu558Asp (NM_001394442.1); and 2 more; short protein forms E499D, E527D, E558D, E645D, E661D, E690D, E691D, E706D.
Identifiers: ClinVar variation 1715599 (VCV001715599.5), dbSNP rs2517923162, ClinGen allele CA411582491.

ClinVar aggregate classification (germline): Uncertain significance (1 of 4 stars; one submission).

Conditions:
Emery-Dreifuss muscular dystrophy (EDMD). Also called: Scapuloperoneal syndrome, X-linked (formerly); Humeroperoneal neuromuscular disease, (formerly). Identifiers: Orphanet 261, MedGen C0410189, MONDO:0016830.

Submission:

Labcorp Genetics (formerly Invitae), Labcorp
Classification: Uncertain significance for Emery-Dreifuss muscular dystrophy. Last evaluated: 2022-08-19. Review status: criteria provided, single submitter. Criteria: Invitae Variant Classification Sherloc (09022015). Collection method: clinical testing. Allele origin: germline.
Comment: This variant has not been reported in the literature in individuals affected with SUN2-related conditions. This sequence change replaces glutamic acid, which is acidic and polar, with aspartic acid, which is acidic and polar, at codon 691 of the SUN2 protein (p.Glu691Asp). This variant is not present in population databases (gnomAD no frequency). Algorithms developed to predict the effect of missense changes on protein structure and function (SIFT, PolyPhen-2, Align-GVGD) all suggest that this variant is likely to be disruptive. In summary, the available evidence is currently insufficient to determine the role of this variant in disease. Therefore, it has been classified as a Variant of Uncertain Significance.